The following is an entry in ClinVar:

ClinVar aggregate classification (germline): Uncertain significance. Review status: criteria provided, multiple submitters, no conflicts (2 of 4 stars). 3 submissions from 3 submitters: Uncertain significance (3). Last evaluated 2026-05-27.

Allele frequency attached by ClinVar (database versions not stated): ExAC 0.00006; gnomAD exomes 0.00002; TOPMed 0.00026; gnomAD 0.00025.
gnomAD v4.1: 75 of 1,614,154 alleles (0.0046%); highest among the groups gnomAD compares: African/African-American, 0.081%; 1 homozygote.

Submissions (3):

Women's Health and Genetics/Laboratory Corporation of America, LabCorp
Classification: Uncertain significance. Last evaluated: 2026-05-27. Review status: criteria provided, single submitter. Criteria: LabCorp Variant Classification Summary - May 2015. Collection method: clinical testing. Allele origin: germline.
Comment: Variant summary: P2RY12 c.836T>C (p.Val279Ala) results in a non-conservative amino acid change in the encoded protein sequence. Algorithms developed to predict the effect of missense changes on protein structure and function are either unavailable or do not agree on the potential impact of this missense change. The variant allele was found at a frequency of 5.2e-05 in 251046 control chromosomes. This frequency is not significantly higher than estimated for disease-causing variants in P2RY12, allowing no conclusion about variant significance. To our knowledge, no occurrence of c.836T>C in individuals affected with P2RY12-related conditions and no experimental evidence demonstrating its impact on protein function have been reported. ClinVar contains an entry for this variant (Variation ID: 2138834). Based on the evidence outlined above, the variant was classified as uncertain significance.

Labcorp Genetics (formerly Invitae), Labcorp
Classification: Uncertain significance. Last evaluated: 2026-01-07. Review status: criteria provided, single submitter. Criteria: Invitae Variant Classification Sherloc (09022015). Collection method: clinical testing. Allele origin: germline.
Comment: This sequence change replaces valine, which is neutral and non-polar, with alanine, which is neutral and non-polar, at codon 279 of the P2RY12 protein (p.Val279Ala). This variant is present in population databases (rs761528306, gnomAD 0.09%). This variant has not been reported in the literature in individuals affected with P2RY12-related conditions. ClinVar contains an entry for this variant (Variation ID: 2138834). An algorithm developed to predict the effect of missense changes on protein structure and function (PolyPhen-2) suggests that this variant is likely to be tolerated. In summary, the available evidence is currently insufficient to determine the role of this variant in disease. Therefore, it has been classified as a Variant of Uncertain Significance.

Ambry Genetics
Classification: Uncertain significance. Last evaluated: 2023-07-05. Review status: criteria provided, single submitter. Criteria: Ambry Variant Classification Scheme 2023. Collection method: clinical testing. Allele origin: germline.

NM_022788.5(P2RY12):c.836T>C (p.Val279Ala)

Genes: MED12L (mediator complex subunit 12L; plus strand), P2RY12 (purinergic receptor P2Y12; minus strand). Cytogenetic location: 3q25.1.
Variant type: single nucleotide variant.
Coding change: c.836T>C on transcript NM_022788.5 (MANE Select); coding-DNA position 836, T replaced by C.
Protein change: p.Val279Ala; replaces valine 279 with alanine.
Molecular consequence: missense variant. On other transcripts: intron variant (2).
Genome position (GRCh38, 1-based): chr3:151,338,010, A>G on the plus strand (T>C on the coding strand, the complement: P2RY12 is on the minus strand). VCF-style: chr3-151338010-A-G. GRCh37 (hg19) VCF-style: chr3-151055798-A-G.
Other names: c.836T>C, p.Val279Ala (NM_176876.3); c.2251-12049A>G (NM_001393769.1); c.2146-12049A>G (NM_053002.6); short protein forms V279A.
Identifiers: ClinVar variation 2138834 (VCV002138834.7), dbSNP rs761528306, ClinGen allele CA2667794.